The following is an entry in ClinVar:

ClinVar aggregate classification (germline): Likely benign (1 of 4 stars; one submission).

Allele frequency attached by ClinVar (database versions not stated): gnomAD exomes below 0.00001.
gnomAD v4.1: 4 of 1,613,952 alleles (0.00025%); highest among the groups gnomAD compares: Non-Finnish European, 0.00025%; no homozygotes.

Submission:

GeneDx
Classification: Likely benign. Last evaluated: 2017-06-07. Review status: criteria provided, single submitter. Criteria: GeneDx Variant Classification (06012015). Collection method: clinical testing. Allele origin: germline. Affected: yes.
Comment: This variant is considered likely benign or benign based on one or more of the following criteria: it is a conservative change, it occurs at a poorly conserved position in the protein, it is predicted to be benign by multiple in silico algorithms, and/or has population frequency not consistent with disease.

NM_153026.3(PRICKLE1):c.247-10T>C

Genes: PRICKLE1 (prickle planar cell polarity protein 1; minus strand), LOC130007700 (ATAC-STARR-seq lymphoblastoid active region 6212; plus strand). Cytogenetic location: 12q12.
Variant type: single nucleotide variant.
Coding change: c.247-10T>C on transcript NM_153026.3 (MANE Select); 10 bases into the intron before coding-DNA position 247, T replaced by C.
Molecular consequence: intron variant.
Genome position (GRCh38, 1-based): chr12:42,469,597, A>G on the plus strand (T>C on the coding strand, the complement: PRICKLE1 is on the minus strand). VCF-style: chr12-42469597-A-G. GRCh37 (hg19) VCF-style: chr12-42863399-A-G.
Other names: c.247-10T>C (NM_001144883.2, NM_001144882.2, NM_001144881.2).
Identifiers: ClinVar variation 517960 (VCV000517960.1), dbSNP rs1555230748, ClinGen allele CA658797877.